The following is an entry in ClinVar:

ClinVar aggregate classification (germline): Uncertain significance (1 of 4 stars; one submission).

Submission:

GeneDx
Classification: Uncertain significance. Last evaluated: 2025-02-23. Review status: criteria provided, single submitter. Criteria: GeneDx Variant Classification Process June 2021. Collection method: clinical testing. Allele origin: germline. Affected: yes.
Comment: Not observed at significant frequency in large population cohorts (gnomAD); In silico analysis supports that this missense variant has a deleterious effect on protein structure/function; Has not been previously published as pathogenic or benign to our knowledge

NM_002430.3(MN1):c.2996C>T (p.Thr999Met)

Gene: MN1 (MN1 proto-oncogene, transcriptional regulator; minus strand). Cytogenetic location: 22q12.1.
Variant type: single nucleotide variant.
Coding change: c.2996C>T on transcript NM_002430.3 (MANE Select); coding-DNA position 2996, C replaced by T.
Protein change: p.Thr999Met; replaces threonine 999 with methionine.
Molecular consequence: missense variant.
Genome position (GRCh38, 1-based): chr22:27,797,548, G>A on the plus strand (C>T on the coding strand, the complement: MN1 is on the minus strand). VCF-style: chr22-27797548-G-A. GRCh37 (hg19) VCF-style: chr22-28193536-G-A.
Other names: short protein forms T999M.
Identifiers: ClinVar variation 4076831 (VCV004076831.1).